The following is an entry in ClinVar:

ClinVar aggregate classification (germline): Benign/Likely benign. Review status: criteria provided, multiple submitters, no conflicts (2 of 4 stars). 2 submissions from 2 submitters: Benign (1); Likely benign (1). Last evaluated 2025-01-13.

Conditions:
Familial cancer of breast. Also called: BREAST CANCER, FAMILIAL; hereditary breast carcinoma; Hereditary breast cancer. Identifiers: Orphanet 227535, MedGen C0346153, MONDO:0016419, OMIM 114480. Disease mechanism: loss of function.

Submissions (2):

Myriad Genetics, Inc.
Classification: Benign for Familial cancer of breast. Last evaluated: 2025-01-13. Review status: criteria provided, single submitter. Criteria: Myriad Autosomal Dominant, Autosomal Recessive and X-Linked Classification Criteria (2023). Collection method: clinical testing. Allele origin: unknown.
Comment: This variant is considered benign. This variant is a silent/synonymous amino acid change and it is not expected to impact splicing.

Labcorp Genetics (formerly Invitae), Labcorp
Classification: Likely benign for Familial cancer of breast. Last evaluated: 2019-03-07. Review status: criteria provided, single submitter. Criteria: Invitae Variant Classification Sherloc (09022015). Collection method: clinical testing. Allele origin: germline.

NM_024675.4(PALB2):c.1506G>A (p.Lys502=)

Gene: PALB2 (partner and localizer of BRCA2; minus strand). Cytogenetic location: 16p12.2.
Variant type: single nucleotide variant.
Coding change: c.1506G>A on transcript NM_024675.4 (MANE Select); coding-DNA position 1506, G replaced by A.
Protein change: p.Lys502=; no amino-acid change (lysine 502 retained).
Molecular consequence: synonymous variant.
Genome position (GRCh38, 1-based): chr16:23,635,040, C>T on the plus strand (G>A on the coding strand, the complement: PALB2 is on the minus strand). VCF-style: chr16-23635040-C-T. GRCh37 (hg19) VCF-style: chr16-23646361-C-T.
Identifiers: ClinVar variation 748005 (VCV000748005.12), dbSNP rs371142570, ClinGen allele CA494461333.
Genomic context (GRCh38, chr16:23,635,040, plus strand): 5'-TGGGGTGCAGGCTGATTTTCTTTTTCCTGTGTATCTTCTACCAGGTGCTTGGGCAACTGC[C>T]TTCCTAGACAAGTCATTATCTTCAGTGGGCCCAGCGGGAGAGCTGACTTTAGTTAATGAG-3'
Protein context (NP_078951.2, residues 492-512): GPTEDNDLSR[Lys502=]AVAQAPGRRY